The following is an entry in ClinVar:

NM_014994.3(MAPKBP1):c.2431G>A (p.Val811Ile)

Gene: MAPKBP1 (mitogen-activated protein kinase binding protein 1; plus strand). Cytogenetic location: 15q15.1.
Variant type: single nucleotide variant.
Coding change: c.2431G>A on transcript NM_014994.3 (MANE Select); coding-DNA position 2431, G replaced by A.
Protein change: p.Val811Ile; replaces valine 811 with isoleucine.
Molecular consequence: missense variant. On other transcripts: non-coding transcript variant (2).
Genome position (GRCh38, 1-based): chr15:41,819,600, G>A. VCF-style: chr15-41819600-G-A. GRCh37 (hg19) VCF-style: chr15-42111798-G-A.
Other names: c.2449G>A, p.Val817Ile (NM_001128608.2); c.2431G>A, p.Val811Ile (NM_001265611.2); short protein forms V811I, V817I.
Identifiers: ClinVar variation 1909670 (VCV001909670.5), dbSNP rs150484161, ClinGen allele CA7498262.

ClinVar aggregate classification (germline): Uncertain significance (1 of 4 stars; one submission).

Allele frequency attached by ClinVar (database versions not stated): gnomAD 0.00001; TOPMed 0.00001; ExAC 0.00002; ESP Exome Variant Server 0.00008.
gnomAD v4.1: 10 of 1,608,942 alleles (0.00062%); highest among the groups gnomAD compares: African/African-American, 0.0014%; no homozygotes.

Submission:

Labcorp Genetics (formerly Invitae), Labcorp
Classification: Uncertain significance. Last evaluated: 2025-02-24. Review status: criteria provided, single submitter. Criteria: Invitae Variant Classification Sherloc (09022015). Collection method: clinical testing. Allele origin: germline.
Comment: This sequence change replaces valine, which is neutral and non-polar, with isoleucine, which is neutral and non-polar, at codon 817 of the MAPKBP1 protein (p.Val817Ile). This variant is present in population databases (rs150484161, gnomAD 0.004%). This variant has not been reported in the literature in individuals affected with MAPKBP1-related conditions. ClinVar contains an entry for this variant (Variation ID: 1909670). An algorithm developed to predict the effect of missense changes on protein structure and function (PolyPhen-2) suggests that this variant is likely to be tolerated. In summary, the available evidence is currently insufficient to determine the role of this variant in disease. Therefore, it has been classified as a Variant of Uncertain Significance.